The following is an entry in ClinVar:

ClinVar aggregate classification (germline): Benign/Likely benign. Review status: criteria provided, multiple submitters, no conflicts (2 of 4 stars). 10 submissions from 9 submitters: Benign (6); Likely benign (3). 1 of the submissions does not count toward it. Last evaluated 2026-01-28.

Conditions:
Usher syndrome type 2A. Also called: USHER SYNDROME, TYPE IIA; RETINAL DISEASE IN USHER SYNDROME TYPE IIA, MODIFIER OF. Identifiers: Orphanet 231178, Orphanet 886, MedGen C1848634, MONDO:0010169, OMIM 276901.
Retinitis pigmentosa 39 (RP39). Identifiers: Orphanet 791, MedGen C3151138, MONDO:0013436, OMIM 613809.

Allele frequency attached by ClinVar (database versions not stated): gnomAD exomes 0.00113; ExAC 0.00134; gnomAD 0.00397 and 0.00422; TOPMed 0.00469; ESP Exome Variant Server 0.00477; 1000 Genomes Project 0.00579; 1000 Genomes Project 30x 0.00640.
gnomAD v4.1: 1,162 of 1,612,782 alleles (0.072%); highest among the groups gnomAD compares: African/African-American, 1.3%; 9 homozygotes.

Submissions (10):

Labcorp Genetics (formerly Invitae), Labcorp
Classification: Benign. Last evaluated: 2026-01-28. Review status: criteria provided, single submitter. Criteria: Invitae Variant Classification Sherloc (09022015). Collection method: clinical testing. Allele origin: germline.

Blueprint Genetics
Classification: Likely benign. Last evaluated: 2024-10-08. Review status: criteria provided, single submitter. Criteria: ACMG Guidelines, 2015. Collection method: clinical testing. Allele origin: germline.

Genome-Nilou Lab
Classification: Benign for Retinitis pigmentosa 39. Last evaluated: 2023-11-04. Review status: criteria provided, single submitter. Criteria: ACMG Guidelines, 2015. Collection method: clinical testing. Allele origin: germline. Affected: no.

Genome-Nilou Lab
Classification: Benign for Usher syndrome type 2A. Last evaluated: 2023-11-04. Review status: criteria provided, single submitter. Criteria: ACMG Guidelines, 2015. Collection method: clinical testing. Allele origin: germline. Affected: no.

CeGaT Center for Human Genetics Tuebingen
Classification: Likely benign. Last evaluated: 2022-12-01. Review status: criteria provided, single submitter. Criteria: CeGaT Center For Human Genetics Tuebingen Variant Classification Criteria Version 2. Collection method: clinical testing. Allele origin: germline. Affected: yes. Observed: 1 variant allele.
Comment: USH2A: BP4, BP7

Fulgent Genetics
Classification: Likely benign for Usher syndrome type 2A; Retinitis pigmentosa 39. Last evaluated: 2022-05-20. Review status: criteria provided, single submitter. Criteria: ACMG Guidelines, 2015. Collection method: clinical testing. Allele origin: unknown.

GeneDx
Classification: Benign. Last evaluated: 2019-05-03. Review status: criteria provided, single submitter. Criteria: GeneDx Variant Classification Process June 2021. Collection method: clinical testing. Allele origin: germline. Affected: yes.

Laboratory for Molecular Medicine, Mass General Brigham Personalized Medicine
Classification: Benign. Last evaluated: 2012-05-07. Review status: criteria provided, single submitter. Criteria: LMM Criteria. Collection method: clinical testing. Allele origin: germline. Observed: 10 variant alleles.
Comment: "Cys3153Cys in Exon 48 of USH2A: This variant is not expected to have clinical s ignificance because it does not alter an amino acid residue, is not located with in the splice consensus sequence, and has been identified in 1.6% (59/3738) of A frican American chromosomes from a broad population by the NHLBI Exome Sequencin g Project (dbSNP rs73090721)."

Breakthrough Genomics
Classification: Benign. Review status: criteria provided, single submitter. Criteria: ACMG Guidelines, 2015. Collection method: not provided. Allele origin: germline. Inheritance: Autosomal recessive inheritance. Affected: yes.

Natera, Inc.
Classification: Benign for Usher syndrome type 2A. Last evaluated: 2019-12-10. Review status: no assertion criteria provided. Collection method: clinical testing. Allele origin: germline. Not counted in ClinVar's aggregate classification.

NM_206933.4(USH2A):c.9459C>T (p.Cys3153=)

Gene: USH2A (usherin; minus strand). Cytogenetic location: 1q41.
Variant type: single nucleotide variant.
Coding change: c.9459C>T on transcript NM_206933.4 (MANE Select); coding-DNA position 9459, C replaced by T.
Protein change: p.Cys3153=; no amino-acid change (cysteine 3153 retained).
Molecular consequence: synonymous variant.
Genome position (GRCh38, 1-based): chr1:215,817,108, G>A on the plus strand (C>T on the coding strand, the complement: USH2A is on the minus strand). VCF-style: chr1-215817108-G-A. GRCh37 (hg19) VCF-style: chr1-215990450-G-A.
Identifiers: ClinVar variation 178645 (VCV000178645.44), dbSNP rs73090721, ClinGen allele CA182727.
Genomic context (GRCh38, chr1:215,817,108, plus strand): 5'-ACACCTCACTGCCTTGCAGAGCTCATCACTCTGATCCTGCACTAACTTTTGAGTTTTAGC[G>A]CATGGATACCATGTTTTCCATAGGAGATCATATCCAAGAATGATGCCATTTGGCTTCCGT-3'
Protein context (NP_996816.3, residues 3143-3163): YDLLWKTWYP[Cys3153=]AKTQKLVQDQ